The following is an entry in ClinVar:

ClinVar aggregate classification (germline): Uncertain significance. Review status: criteria provided, multiple submitters, no conflicts (2 of 4 stars). 3 submissions from 3 submitters: Uncertain significance (3). Last evaluated 2026-03-24.

Conditions:
Cardiovascular phenotype. Identifiers: MedGen CN230736.
TTN-related disorder. Also called: TTN-related disorders; TTN-related condition; TTN-related disease.

Allele frequency attached by ClinVar (database versions not stated): gnomAD 0.00005; ExAC 0.00006; TOPMed 0.00006; ESP Exome Variant Server 0.00008; gnomAD exomes 0.00008.
gnomAD v4.1: 115 of 1,613,726 alleles (0.0071%); highest among the groups gnomAD compares: Non-Finnish European, 0.0097%; no homozygotes.

Submissions (3):

PreventionGenetics, part of Exact Sciences
Classification: Uncertain significance for TTN-related condition. Last evaluated: 2026-03-24. Review status: criteria provided, single submitter. Criteria: ACMG Guidelines, 2015. Collection method: clinical testing. Allele origin: germline.
Comment: The TTN c.11585C>G variant is predicted to result in the amino acid substitution p.Pro3862Arg. To our knowledge, this variant has not been reported in the literature. This variant is reported in 0.011% of alleles in individuals of European (Non-Finnish) descent in gnomAD. At this time, the clinical significance of this variant is uncertain due to the absence of conclusive functional and genetic evidence.

Athena Diagnostics
Classification: Uncertain significance. Last evaluated: 2024-02-20. Review status: criteria provided, single submitter. Criteria: Athena Diagnostics Criteria. Collection method: clinical testing. Allele origin: unknown.

Ambry Genetics
Classification: Uncertain significance for Cardiovascular phenotype. Last evaluated: 2018-09-12. Review status: criteria provided, single submitter. Criteria: Ambry Variant Classification Scheme 2023. Collection method: clinical testing. Allele origin: germline.
Comment: The p.P3499R variant (also known as c.10496C>G), located in coding exon 44 of the TTN gene, results from a C to G substitution at nucleotide position 10496. The proline at codon 3499 is replaced by arginine, an amino acid with dissimilar properties. This amino acid position is not well conserved in available vertebrate species. In addition, this alteration is predicted to be tolerated by in silico analysis. Since supporting evidence is limited at this time, the clinical significance of this alteration remains unclear.

NM_001267550.2(TTN):c.11585C>G (p.Pro3862Arg)

Gene: TTN (titin; minus strand). Cytogenetic location: 2q31.2.
Variant type: single nucleotide variant.
Coding change: c.11585C>G on transcript NM_001267550.2 (MANE Select); coding-DNA position 11585, C replaced by G.
Protein change: p.Pro3862Arg; replaces proline 3862 with arginine.
Molecular consequence: missense variant. On other transcripts: intron variant (1).
Genome position (GRCh38, 1-based): chr2:178,741,648, G>C on the plus strand (C>G on the coding strand, the complement: TTN is on the minus strand). VCF-style: chr2-178741648-G-C. GRCh37 (hg19) VCF-style: chr2-179606375-G-C.
Other names: c.10634C>G, p.Pro3545Arg (NM_001256850.1); c.10496C>G, p.Pro3499Arg (NM_003319.4); c.10871C>G, p.Pro3624Arg (NM_133432.3); c.11072C>G, p.Pro3691Arg (NM_133437.4); c.10361-3288C>G (NM_133378.4); short protein forms P3499R, P3624R, P3545R, P3862R, P3691R.
Identifiers: ClinVar variation 1776281 (VCV001776281.4), dbSNP rs201652675, ClinGen allele CA2002834.
Genomic context (GRCh38, chr2:178,741,648, plus strand): 5'-GTGAACAGAATGATCAGGCTATGATCATCACCGTCAAAAACAAATTTGTAGTCAGCAGAA[G>C]GGGTTAATAGCACTCCATTAAAGAACCACTGAATTTTAGGTTTGGGGATGCCAATGACAG-3'
Protein context (NP_001254479.2, residues 3852-3872): QWFFNGVLLT[Pro3862Arg]SADYKFVFDG